The following is an entry in ClinVar:

NM_001170629.2(CHD8):c.5034C>A (p.Phe1678Leu)

Gene: CHD8 (chromodomain helicase DNA binding protein 8; minus strand). Cytogenetic location: 14q11.2.
Variant type: single nucleotide variant.
Coding change: c.5034C>A on transcript NM_001170629.2 (MANE Select); coding-DNA position 5034, C replaced by A.
Protein change: p.Phe1678Leu; replaces phenylalanine 1678 with leucine.
Molecular consequence: missense variant.
Genome position (GRCh38, 1-based): chr14:21,397,840, G>T on the plus strand (C>A on the coding strand, the complement: CHD8 is on the minus strand). VCF-style: chr14-21397840-G-T. GRCh37 (hg19) VCF-style: chr14-21865999-G-T.
Other names: c.4197C>A, p.Phe1399Leu (NM_020920.4); short protein forms F1678L, F1399L.
Identifiers: ClinVar variation 4746964 (VCV004746964.1).
Genomic context (GRCh38, chr14:21,397,840, plus strand): 5'-CGGCACAAGTTAGAGTTTTAAAAGAACAAATACTAATGCTTACCCTTCTACTATGTCAGA[G>T]AAGTTATCCAACACTCGATGTTCTGCTGCAATTGCTTTGTCATCTGGTCGGCCAGCCTTT-3'
Protein context (NP_001164100.1, residues 1668-1688): IAAEHRVLDN[Phe1678Leu]SDIVEGVDFD

ClinVar aggregate classification (germline): Uncertain significance (1 of 4 stars; one submission).

Submission:

Labcorp Genetics (formerly Invitae), Labcorp
Classification: Uncertain significance. Last evaluated: 2025-05-07. Review status: criteria provided, single submitter. Criteria: Invitae Variant Classification Sherloc (09022015). Collection method: clinical testing. Allele origin: germline.
Comment: This sequence change replaces phenylalanine, which is neutral and non-polar, with leucine, which is neutral and non-polar, at codon 1678 of the CHD8 protein (p.Phe1678Leu). This variant is not present in population databases (gnomAD no frequency). This variant has not been reported in the literature in individuals affected with CHD8-related conditions. Invitae Evidence Modeling of protein sequence and biophysical properties (such as structural, functional, and spatial information, amino acid conservation, physicochemical variation, residue mobility, and thermodynamic stability) indicates that this missense variant is not expected to disrupt CHD8 protein function with a negative predictive value of 95%. In summary, the available evidence is currently insufficient to determine the role of this variant in disease. Therefore, it has been classified as a Variant of Uncertain Significance.